The following is an entry in ClinVar:

ClinVar aggregate classification (germline): Uncertain significance. Review status: criteria provided, multiple submitters, no conflicts (2 of 4 stars). 2 submissions from 2 submitters: Uncertain significance (2). Last evaluated 2025-11-26.

Allele frequency attached by ClinVar (database versions not stated): gnomAD exomes 0.00001.
gnomAD v4.1: 3 of 1,613,952 alleles (0.00019%); highest among the groups gnomAD compares: Admixed American, 0.005%; no homozygotes.

Submissions (2):

Labcorp Genetics (formerly Invitae), Labcorp
Classification: Uncertain significance. Last evaluated: 2025-11-26. Review status: criteria provided, single submitter. Criteria: Invitae Variant Classification Sherloc (09022015). Collection method: clinical testing. Allele origin: germline.
Comment: This sequence change replaces isoleucine, which is neutral and non-polar, with phenylalanine, which is neutral and non-polar, at codon 1403 of the A2ML1 protein (p.Ile1403Phe). This variant is present in population databases (no rsID available, gnomAD 0.006%). This variant has not been reported in the literature in individuals affected with A2ML1-related conditions. ClinVar contains an entry for this variant (Variation ID: 2564129). An algorithm developed to predict the effect of missense changes on protein structure and function outputs the following: PolyPhen-2: "Possibly Damaging". The phenylalanine amino acid residue is found in multiple mammalian species, which suggests that this missense change does not adversely affect protein function. In summary, the available evidence is currently insufficient to determine the role of this variant in disease. Therefore, it has been classified as a Variant of Uncertain Significance.

Ambry Genetics
Classification: Uncertain significance. Last evaluated: 2023-03-16. Review status: criteria provided, single submitter. Criteria: Ambry Variant Classification Scheme 2023. Collection method: clinical testing. Allele origin: germline.
Comment: The p.I1403F variant (also known as c.4207A>T), located in coding exon 33 of the A2ML1 gene, results from an A to T substitution at nucleotide position 4207. The isoleucine at codon 1403 is replaced by phenylalanine, an amino acid with highly similar properties. This amino acid position is conserved. In addition, this alteration is predicted to be tolerated by in silico analysis. Since supporting evidence is limited at this time, the clinical significance of this alteration remains unclear.

NM_144670.6(A2ML1):c.4207A>T (p.Ile1403Phe)

Gene: A2ML1 (alpha-2-macroglobulin like 1; plus strand). Cytogenetic location: 12p13.31.
Variant type: single nucleotide variant.
Coding change: c.4207A>T on transcript NM_144670.6 (MANE Select); coding-DNA position 4207, A replaced by T.
Protein change: p.Ile1403Phe; replaces isoleucine 1403 with phenylalanine.
Molecular consequence: missense variant.
Genome position (GRCh38, 1-based): chr12:8,869,189, A>T. VCF-style: chr12-8869189-A-T. GRCh37 (hg19) VCF-style: chr12-9021785-A-T.
Other names: c.2734A>T, p.Ile912Phe (NM_001282424.3); short protein forms I1403F, I912F.
Identifiers: ClinVar variation 2564129 (VCV002564129.3), dbSNP rs1241706957, ClinGen allele CA383813159.
Genomic context (GRCh38, chr12:8,869,189, plus strand): 5'-ATTCAGCTTCTCCAGCAACCCCTGGTGAAGAAGGTTGAATTTGGAACTGACACACTTAAC[A>T]TTTACTTGGATGAGGTAGGTATTCAGGAACCAGATCAAAGAGCTGGATTGCTTACGGATC-3'
Protein context (NP_653271.3, residues 1393-1413): KVEFGTDTLN[Ile1403Phe]YLDELIKNTQ